The following is an entry in ClinVar:

ClinVar aggregate classification (germline): Pathogenic. Review status: no assertion criteria provided (0 of 4 stars). 3 submissions from 3 submitters: Pathogenic (2). 1 of the submissions does not count toward it. Last evaluated 2017-09-01.

Submissions (3):

ISCA site 4
Classification: Pathogenic. Last evaluated: 2017-09-01. Review status: no assertion criteria provided. Collection method: clinical testing. Allele origin: unknown. Affected: yes. Observed: 2 variant alleles.
Comment: Copy number variation identified through the course of routine clinical cytogenomic testing in postnatal populations, with clinical assertions as classified by the original submitter.

ISCA site 8
Classification: Pathogenic. Last evaluated: 2010-10-20. Review status: no assertion criteria provided. Collection method: clinical testing. Allele origin: unknown. Affected: yes. Observed: 1 variant allele.

ISCA site 1
Classification: Benign. Last evaluated: 2010-12-22. Review status: flagged submission. Collection method: clinical testing. Allele origin: unknown. Affected: yes. Observed: 1 variant allele. Not counted in ClinVar's aggregate classification.
ClinVar note: Notes: This submission was flagged because its interpretation of this variant conflicts with the ClinGen Gene Dosage Map curation for the gene STS.
ClinVar note: Reason: Conflict with ClinGen Gene Dosage Map

GRCh38/hg38 Xp22.31(chrX:6570680-8129470)x1

Genes: PNPLA4 (patatin like domain 4, phospholipase and triacylglycerol lipase; minus strand), PUDP (pseudouridine 5'-phosphatase; minus strand), MIR4767 (microRNA 4767; plus strand), MIR651 (microRNA 651; plus strand), STS (steroid sulfatase; plus strand) and 21 more. Cytogenetic location: Xp22.31.
Variant type: copy number loss.
Change: copy number 1 of chrX:6,570,680-8,129,470 (1.56 Mb, GRCh38 coordinates, 1-based), cytogenetic band Xp22.31.
Identifiers: ClinVar variation 144129 (VCV000144129.5).